The following continues an entry in ClinVar:

NM_206933.4(USH2A):c.1841-2A>G

Gene: USH2A. ClinVar aggregate classification (germline): Pathogenic. Pathogenic (18).

Submissions 12 to 18 of 18:

INGEBI, INGEBI / CONICET
Classification: Pathogenic for Nonsyndromic genetic hearing loss. Last evaluated: 2021-07-15. Review status: criteria provided, single submitter. Criteria: ClinGen HL ACMG Specifications v1. Collection method: clinical testing. Allele origin: germline. Inheritance: Autosomal recessive inheritance. Affected: yes. Clinical features observed: Postlingual progressive bilateral moderate hearing loss.
Comment: Based on ACMG/AMP guidelines and Hearing Loss Expert Panel specific criteria: The c.1841-2 A>G variant in USH2A gene has benn found in 4/113596 alleles only in european non-finnish population (0.0012% with 95% CI) meeting PM2 rule . This type of variant is predicted to generate a lost of the acceptor splicing site in USH2A gene , which is a known mechanism of disease, PVS1. The c.1841-2 A>G has been identified in trans with different pathogenic variants in at least 10 individuals (PM3_VS): 2 patients with retinitis pigmentosa, 9 cases of type 2 Usher patients (PP4), one type 3 Usher patient and 3 hearing loss patients (variants detected in early childhood); (PMID:12525556, 18641288, 19683999, 21738395, 22004887, 22135276, 24875298, 24944099, 25558175, 25575603, 29986705, 27460420, this report). The c.1841-2 A>G segregated correctly in two familial cases: one family composed of two siblings with retinitis pigmentosa and two unaffected siblings and a second familiy case composed of two siblings with hearing loss (PMID: 12525556, 24875298) applying to PP1_Mod. Functional studies in COS-7 cells using minigen system demonstrated that this variant generated the skippining of exon 11 leading to a freamshift: p.Gly614Aspfs6* (PMID20497194); PS3_Supp.Considering PM2, PVS1_VS, PP4, PP1_M, PS3_S the variant is classfied as Pathogenic for Usher Syndrome and retinitis pigmentosa.

Ocular Genomics Institute, Massachusetts Eye and Ear
Classification: Pathogenic for Retinitis pigmentosa 39. Last evaluated: 2021-04-08. Review status: criteria provided, single submitter. Criteria: ACMG Guidelines, 2015. Collection method: research. Allele origin: germline. Affected: yes.
Comment: Through a review of available evidence we were able to apply the following criteria: PVS1, PS3, PM2, PM3, PP1, PP3. Based on this evidence we have classified this variant as Pathogenic.

Laboratory for Molecular Medicine, Mass General Brigham Personalized Medicine
Classification: Pathogenic for Rare genetic deafness. Last evaluated: 2018-12-04. Review status: criteria provided, single submitter. Criteria: LMM Criteria. Collection method: clinical testing. Allele origin: germline. Inheritance: Autosomal recessive inheritance. Observed: 2 variant alleles.
Comment: The c.1841-2A>G variant in USH2A has been reported in at least 12 probands with Usher syndrome and 2 probands with retinitis pigmentosa (RP), including at least 3 homozygous individuals and 7 individuals who were compound heterozygous for a second pathogenic USH2A variant (Bernal 2003, Maubaret 2005, Sandberg 2008, Jai jo 2010, Garcia-Garcia 2011, Vozzi 2011, LeQuesne Stabej 2012, Sodi 2014, Lenard uzzi 2015, Bonnet 2016, LMM data). This variant segregated with RP in one affect ed sibling (Bernal 2003). It has also been identified in 0.003% (4/113596) of Eu ropean chromosomes by gnomAD; however, this f requency is low enough to be consistent with a recessive carrier frequency. Fina lly, the c.1841-2A>G variant is located in the canonical splice consensus sequen ce and functional studies demonstrate that it causes skipping of exon 11, leadin g to a frameshift and the introduction of a premature termination codon (Jaijo 2 011). In summary, this variant meets criteria to be classified as pathogenic for autosomal recessive Usher syndrome. ACMG/AMP criteria applied: PVS1, PM3_VerySt rong, PM2, PP4.

Fulgent Genetics
Classification: Pathogenic for Usher syndrome type 2A; Retinitis pigmentosa 39. Last evaluated: 2018-10-31. Review status: criteria provided, single submitter. Criteria: ACMG Guidelines, 2015. Collection method: clinical testing. Allele origin: unknown.

CeGaT Center for Human Genetics Tuebingen
Classification: Pathogenic. Last evaluated: 2017-10-01. Review status: criteria provided, single submitter. Criteria: CeGaT Center For Human Genetics Tuebingen Variant Classification Criteria Version 2. Collection method: clinical testing. Allele origin: germline. Affected: yes. Observed: 1 variant allele.

Illumina Laboratory Services, Illumina
Classification: Pathogenic for USH2A-Related Disorders. Last evaluated: 2017-04-28. Review status: criteria provided, single submitter. Criteria: ICSL Variant Classification Criteria 09 May 2019. Collection method: clinical testing. Allele origin: germline.
Comment: The USH2A c.1841-2A>G occurs in a canonical splice site (acceptor) and is therefore predicted to disrupt or distort the normal gene product. The c.1841-2A>G variant has been reported in ten studies in which it is found in a total of 14 individuals including five homozygotes, two compound heterozygotes and five heterozygotes with Usher syndrome, and two compound heterozygotes with autosomal recessive retinitis pigmentosa (Bernal et al. 2003; Maubaret et al. 2005; Sandberg et al. 2008; Jaijo et al. 2010; Jaijo et al. 2011; Garcia-Garcia et al. 2011; Vozzi et al. 2011; Le Quesne Stabej et al. 2012; Baux et al. 2014). The variant was also observed in a homozygous state in two siblings with non-syndromic hearing loss in whom no visual phenotype was reported (Vona et al. 2014). The variant was shown to co-segregate with autosomal recessive retinitis pigmentosa in one family (Bernal et al. 2003; Sandberg et al. 2008). The c.1841-2A>G variant was absent from 1272 control chromosomes and is reported at a frequency of 0.00004 in the European (non-Finnish) population of the Exome Aggregation Consortium. Using minigene assays the c.1841-2A>G variant was shown to cause skipping of exon 11 and an r.1841_1971del change at the RNA level, leading to a frameshift (p.Gly614AspfsX6) with premature truncation and the loss of approximately 88% of the protein. Based on the collective evidence and potential impact of splice acceptor variants, the c.1841-2A>G variant is classified as pathogenic for USH2A-related disorders. This variant was observed by ICSL as part of a predisposition screen in an ostensibly healthy population.

Clinical Genetics Service, Universitary Hospital 12 de Octubre
Classification: Pathogenic for Usher syndrome type 2A. Review status: criteria provided, single submitter. Criteria: ACMG Guidelines, 2015. Collection method: clinical testing. Allele origin: germline. Affected: yes.

Literature cited by the submitters: PubMed 16199547 (cited by Labcorp Genetics (formerly Invitae), Labcorp); PubMed 10729113 (cited by Labcorp Genetics (formerly Invitae), Labcorp); PubMed 10909849 (cited by Labcorp Genetics (formerly Invitae), Labcorp); PubMed 20507924 (cited by Labcorp Genetics (formerly Invitae), Labcorp); PubMed 25649381 (cited by Labcorp Genetics (formerly Invitae), Labcorp); PubMed 12525556 (cited by 7 submitters); PubMed 27460420 (cited by 3 submitters); PubMed 29986705 (cited by Labcorp Genetics (formerly Invitae), Labcorp and INGEBI, INGEBI / CONICET); PubMed 20497194 (cited by 7 submitters); PubMed 22135276 (cited by 5 submitters); PubMed 34997062 (cited by Natera, Inc.); PubMed 22004887 (cited by 6 submitters); PubMed 24875298 (cited by 3 submitters); PubMed 25575603 (cited by 3 submitters); PubMed 28157192 (cited by Myriad Genetics, Inc.); PubMed 28559085 (cited by Myriad Genetics, Inc.); PubMed 31231422 (cited by Myriad Genetics, Inc.); PubMed 19683999 (cited by 4 submitters); PubMed 32036094 (cited by Myriad Genetics, Inc.); PubMed 27596865 (cited by Myriad Genetics, Inc.); PubMed 24944099 (cited by 3 submitters); PubMed 32531858 (cited by Myriad Genetics, Inc.); PubMed 18641288 (cited by 4 submitters); PubMed 21738395 (cited by 4 submitters); PubMed 25558175 (cited by INGEBI, INGEBI / CONICET and Laboratory for Molecular Medicine, Mass General Brigham Personalized Medicine); PubMed 15823922 (cited by 3 submitters); PubMed 21487335 (cited by Ocular Genomics Institute, Massachusetts Eye and Ear).